The following is an entry in ClinVar:

NM_000083.3(CLCN1):c.1785G>A (p.Trp595Ter)

Gene: CLCN1 (chloride voltage-gated channel 1; plus strand). Cytogenetic location: 7q34.
Variant type: single nucleotide variant.
Coding change: c.1785G>A on transcript NM_000083.3 (MANE Select); coding-DNA position 1785, G replaced by A.
Protein change: p.Trp595Ter; replaces tryptophan 595 with a stop codon.
Molecular consequence: nonsense. On other transcripts: non-coding transcript variant (1).
Genome position (GRCh38, 1-based): chr7:143,342,131, G>A. VCF-style: chr7-143342131-G-A. GRCh37 (hg19) VCF-style: chr7-143039224-G-A.
Other names: short protein forms W595*.
Identifiers: ClinVar variation 862747 (VCV000862747.10), dbSNP rs376321837, ClinGen allele CA4537468.
Genomic context (GRCh38, chr7:143,342,131, plus strand): 5'-CTCTCTCTATGACAGCATCATCCAGGTCAAGAAGCTACCCTACTTGCCTGACCTTGGCTG[G>A]AACCAGCTCAGGTCAGGGGCACTAGACGGAATTAGTTCAGATCTGATGGGGAGAGTGGGA-3'

ClinVar aggregate classification (germline): Pathogenic. Review status: criteria provided, multiple submitters, no conflicts (2 of 4 stars). 2 submissions from 2 submitters: Pathogenic (2). Last evaluated 2026-01-20.

Conditions:
Congenital myotonia, autosomal dominant form (THD). Also called: THOMSEN DISEASE; Myotonia congenita autosomal dominant. Identifiers: Orphanet 614, MedGen C2936781, MONDO:0008055, OMIM 160800.
Congenital myotonia, autosomal recessive form. Also called: Becker Generalized Myotonia; myotonia congenita, autosomal recessive; BECKER DISEASE. Identifiers: Orphanet 614, MedGen C0751360, MONDO:0009715, OMIM 255700.

Allele frequency attached by ClinVar (database versions not stated): gnomAD 0.00001; gnomAD exomes 0.00001; ExAC 0.00002; ESP Exome Variant Server 0.00008.
gnomAD v4.1: 1 of 1,614,026 alleles (0.000062%); highest among the groups gnomAD compares: Admixed American, 0.0017%; no homozygotes.

Submissions (2):

Labcorp Genetics (formerly Invitae), Labcorp
Classification: Pathogenic for Congenital myotonia, autosomal recessive form; Congenital myotonia, autosomal dominant form. Last evaluated: 2026-01-20. Review status: criteria provided, single submitter. Criteria: Invitae Variant Classification Sherloc (09022015). Collection method: clinical testing. Allele origin: germline.
Comment: This sequence change creates a premature translational stop signal (p.Trp595*) in the CLCN1 gene. It is expected to result in an absent or disrupted protein product. Loss-of-function variants in CLCN1 are known to be pathogenic (PMID: 17932099, 22094069, 23739125). This variant is present in population databases (rs376321837, gnomAD 0.002%). This premature translational stop signal has been observed in individual(s) with clinical features of myotonia congenita (PMID: 23739125). ClinVar contains an entry for this variant (Variation ID: 862747). For these reasons, this variant has been classified as Pathogenic.

Fulgent Genetics
Classification: Pathogenic for Congenital myotonia, autosomal dominant form; Congenital myotonia, autosomal recessive form. Last evaluated: 2024-06-15. Review status: criteria provided, single submitter. Criteria: ACMG Guidelines, 2015. Collection method: clinical testing. Allele origin: germline.

Literature cited by the submitters: PubMed 17932099 (cited by Labcorp Genetics (formerly Invitae), Labcorp); PubMed 22094069 (cited by Labcorp Genetics (formerly Invitae), Labcorp); PubMed 23739125 (cited by Labcorp Genetics (formerly Invitae), Labcorp).